The following is an entry in ClinVar:

ClinVar aggregate classification (germline): Pathogenic (1 of 4 stars; one submission).

Conditions:
Heterotaxy, visceral, 1, X-linked (HTX1). Also called: SITUS INVERSUS, COMPLEX CARDIAC DEFECTS, AND SPLENIC DEFECTS, X-LINKED; DEXTROCARDIA WITH OTHER CARDIAC MALFORMATIONS; Laterality, X-linked; Visceral heterotaxia. Identifiers: Orphanet 450, MedGen C1844020, MONDO:0010607, OMIM 306955.

Submission:

Labcorp Genetics (formerly Invitae), Labcorp
Classification: Pathogenic for Heterotaxy, visceral, 1, X-linked. Last evaluated: 2020-07-09. Review status: criteria provided, single submitter. Criteria: Invitae Variant Classification Sherloc (09022015). Collection method: clinical testing. Allele origin: germline.
Comment: Loss-of-function variants in ZIC3 are known to be pathogenic (PMID: 24123890). For these reasons, this variant has been classified as Pathogenic. This variant has been observed in individual(s) with clinical features of heterotaxy (PMID: 30622330). This sequence change creates a premature translational stop signal (p.Val287Glyfs*55) in the ZIC3 gene. It is expected to result in an absent or disrupted protein product. This variant is not present in population databases (ExAC no frequency).

Literature cited by the submitters: PubMed 24123890; PubMed 30622330.

NM_003413.4(ZIC3):c.860_864del (p.Val287fs)

Gene: ZIC3 (Zic family zinc finger 3; plus strand). Cytogenetic location: Xq26.3.
Variant type: Deletion.
Coding change: c.860_864del on transcript NM_003413.4 (MANE Select); coding-DNA positions 860 to 864, 5 bases deleted (TGGGG; older notation c.860_864delTGGGG).
Protein change: p.Val287fs; shifts the reading frame from valine 287.
Molecular consequence: frameshift variant.
Genome position (GRCh38, 1-based): chrX:137,567,551-137,567,555, TGGGG deleted; deleting any 5 consecutive bases within chrX:137,567,550-137,567,555 gives the same sequence; the c. name uses the placement nearest the transcript's 3' end. VCF-style (leftmost placement, unchanged base first): chrX-137567549-TGTGGG-T. GRCh37 (hg19) VCF-style: chrX-136649708-TGTGGG-T.
Other names: c.860_864del, p.Val287fs (NM_001330661.1); short protein forms V287fs.
Identifiers: ClinVar variation 1075476 (VCV001075476.9), dbSNP rs2124184204, ClinGen allele CA2499226390.